The following is an entry in ClinVar:

ClinVar aggregate classification (germline): Conflicting classifications of pathogenicity. Review status: criteria provided, conflicting classifications (1 of 4 stars). 2 submissions from 2 submitters: Uncertain significance (1); Likely benign (1). Last evaluated 2023-03-23.

Conditions:
Hereditary cancer-predisposing syndrome. Also called: Neoplastic Syndromes, Hereditary; Tumor predisposition; Hereditary Cancer Syndrome; Hereditary neoplastic syndrome. Identifiers: Orphanet 140162, MedGen C0027672, MeSH D009386, MONDO:0015356.
Hereditary breast ovarian cancer syndrome. Also called: Hereditary breast and ovarian cancer syndrome; Hereditary breast and ovarian cancer; Hereditary breast and ovarian cancer syndrome (HBOC); Hereditary breast and/or ovarian cancer syndrome; Breast and ovarian cancer; BRCA1- and BRCA2-Associated Hereditary Breast and Ovarian Cancer. Identifiers: Orphanet 145, MedGen C0677776, MeSH D061325, MONDO:0003582. Disease mechanism: loss of function.

Submissions (2):

University of Washington Department of Laboratory Medicine, University of Washington
Classification: Likely benign for Hereditary cancer-predisposing syndrome. Last evaluated: 2023-03-23. Review status: criteria provided, single submitter. Criteria: Dines et al. (Genet Med. 2020). Collection method: curation. Allele origin: germline.
Comment: Missense variant in a coldspot region where missense variants are very unlikely to be pathogenic (PMID:31911673).

BRCA2 exon 11 coldspot. Reclassification based on statistical prior probability.

Labcorp Genetics (formerly Invitae), Labcorp
Classification: Uncertain significance for Hereditary breast ovarian cancer syndrome. Last evaluated: 2022-03-21. Review status: criteria provided, single submitter. Criteria: Invitae Variant Classification Sherloc (09022015). Collection method: clinical testing. Allele origin: germline.
Comment: In summary, the available evidence is currently insufficient to determine the role of this variant in disease. Therefore, it has been classified as a Variant of Uncertain Significance. Advanced modeling of protein sequence and biophysical properties (such as structural, functional, and spatial information, amino acid conservation, physicochemical variation, residue mobility, and thermodynamic stability) performed at Invitae indicates that this missense variant is not expected to disrupt BRCA2 protein function. This variant has not been reported in the literature in individuals affected with BRCA2-related conditions. This variant is not present in population databases (gnomAD no frequency). This sequence change replaces cysteine, which is neutral and slightly polar, with tyrosine, which is neutral and polar, at codon 2117 of the BRCA2 protein (p.Cys2117Tyr).

NM_000059.4(BRCA2):c.6350G>A (p.Cys2117Tyr)

Gene: BRCA2 (BRCA2 DNA repair associated; plus strand). Cytogenetic location: 13q13.1.
Variant type: single nucleotide variant.
Coding change: c.6350G>A on transcript NM_000059.4 (MANE Select); coding-DNA position 6350, G replaced by A.
Protein change: p.Cys2117Tyr; replaces cysteine 2117 with tyrosine.
Molecular consequence: missense variant.
Genome position (GRCh38, 1-based): chr13:32,340,705, G>A. VCF-style: chr13-32340705-G-A. GRCh37 (hg19) VCF-style: chr13-32914842-G-A.
Other names: c.6350G>A, p.Cys2117Tyr (NM_001406719.1, NM_001406720.1); short protein forms C2117Y.
Identifiers: ClinVar variation 2115492 (VCV002115492.6), dbSNP rs2072553110, ClinGen allele CA387789124.